The following is an entry in ClinVar:

ClinVar aggregate classification (germline): Benign. Review status: criteria provided, multiple submitters, no conflicts (2 of 4 stars). 3 submissions from 3 submitters: Benign (3). Last evaluated 2026-01-28.

Allele frequency attached by ClinVar (database versions not stated): 1000 Genomes Project 30x 0.00703; 1000 Genomes Project 0.00719; TOPMed 0.01297; gnomAD 0.01427 and 0.01452; gnomAD exomes 0.01530 and 0.02005; ESP Exome Variant Server 0.01559; ExAC 0.01589.
gnomAD v4.1: 31,157 of 1,602,258 alleles (1.9%); highest among the groups gnomAD compares: Non-Finnish European, 2.3%; 359 homozygotes.

Submissions (3):

Labcorp Genetics (formerly Invitae), Labcorp
Classification: Benign. Last evaluated: 2026-01-28. Review status: criteria provided, single submitter. Criteria: Invitae Variant Classification Sherloc (09022015). Collection method: clinical testing. Allele origin: germline.

Mayo Clinic Laboratories, Mayo Clinic
Classification: Benign. Last evaluated: 2023-12-15. Review status: criteria provided, single submitter. Criteria: ACMG Guidelines, 2015. Collection method: clinical testing. Allele origin: germline. Observed: 2 variant alleles.
Comment: BS1, BS2, BP4

Breakthrough Genomics
Classification: Benign. Review status: criteria provided, single submitter. Criteria: ACMG Guidelines, 2015. Collection method: not provided. Allele origin: germline. Inheritance: Autosomal recessive inheritance. Affected: yes.

NM_005560.6(LAMA5):c.10606C>T (p.Pro3536Ser)

Gene: LAMA5 (laminin subunit alpha 5; minus strand). Cytogenetic location: 20q13.33.
Variant type: single nucleotide variant.
Coding change: c.10606C>T on transcript NM_005560.6 (MANE Select); coding-DNA position 10606, C replaced by T.
Protein change: p.Pro3536Ser; replaces proline 3536 with serine.
Molecular consequence: missense variant.
Genome position (GRCh38, 1-based): chr20:62,310,306, G>A on the plus strand (C>T on the coding strand, the complement: LAMA5 is on the minus strand). VCF-style: chr20-62310306-G-A. GRCh37 (hg19) VCF-style: chr20-60885362-G-A.
Other names: p.Pro3536Ser; short protein forms P3536S.
Identifiers: ClinVar variation 1601536 (VCV001601536.10), dbSNP rs41307203, ClinGen allele CA9939703.